The following is an entry in ClinVar:

NM_001972.4(ELANE):c.698C>T (p.Ala233Val)

Gene: ELANE (elastase, neutrophil expressed; plus strand). Cytogenetic location: 19p13.3.
Variant type: single nucleotide variant.
Coding change: c.698C>T on transcript NM_001972.4 (MANE Select); coding-DNA position 698, C replaced by T.
Protein change: p.Ala233Val; replaces alanine 233 with valine.
Molecular consequence: missense variant.
Genome position (GRCh38, 1-based): chr19:856,058, C>T. VCF-style: chr19-856058-C-T. GRCh37 (hg19) VCF-style: chr19-856058-C-T.
Other names: short protein forms A233V.
Identifiers: ClinVar variation 2611622 (VCV002611622.3), dbSNP rs2512169385, ClinGen allele CA402919201.
Genomic context (GRCh38, chr19:856,058, plus strand): 5'-ACGGAATTGCCTCCTTCGTCCGGGGAGGCTGCGCCTCAGGGCTCTACCCCGATGCCTTTG[C>T]CCCGGTGGCACAGTTTGTAAACTGGATCGACTCTATCATCCAACGCTCCGAGGACAACCC-3'
Protein context (NP_001963.1, residues 223-243): CASGLYPDAF[Ala233Val]PVAQFVNWID

ClinVar aggregate classification (germline): Uncertain significance (1 of 4 stars; one submission).

Conditions:
Inborn genetic diseases. Identifiers: MedGen C0950123, MeSH D030342.

Submission:

Ambry Genetics
Classification: Uncertain significance for Inborn genetic diseases. Last evaluated: 2024-12-20. Review status: criteria provided, single submitter. Criteria: Ambry Variant Classification Scheme 2023. Collection method: clinical testing. Allele origin: germline.
Comment: The p.A233V variant (also known as c.698C>T), located in coding exon 5 of the ELANE gene, results from a C to T substitution at nucleotide position 698. The alanine at codon 233 is replaced by valine, an amino acid with similar properties. This amino acid position is conserved. In addition, the in silico prediction for this alteration is inconclusive. Based on the available evidence, the clinical significance of this variant remains unclear.